The following is an entry in ClinVar:

ClinVar aggregate classification (germline): Uncertain significance. Review status: criteria provided, multiple submitters, no conflicts (2 of 4 stars). 2 submissions from 2 submitters: Uncertain significance (2). Last evaluated 2024-01-18.

Allele frequency attached by ClinVar (database versions not stated): gnomAD 0.00001; gnomAD exomes 0.00002; 1000 Genomes Project 30x 0.00031; 1000 Genomes Project 0.00040; ExAC 0.00004.
gnomAD v4.1: 19 of 1,613,350 alleles (0.0012%); highest among the groups gnomAD compares: South Asian, 0.015%; no homozygotes.

Submissions (2):

Revvity Omics, Revvity
Classification: Uncertain significance. Last evaluated: 2024-01-18. Review status: criteria provided, single submitter. Criteria: ACMG Guidelines, 2015. Collection method: clinical testing. Allele origin: germline.

Laboratory for Molecular Medicine, Mass General Brigham Personalized Medicine
Classification: Uncertain significance. Last evaluated: 2015-03-19. Review status: criteria provided, single submitter. Criteria: LMM Criteria. Collection method: clinical testing. Allele origin: germline. Observed: 1 variant allele.
Comment: The p.Val5579Gly variant in TTN has not been previously reported in individuals with cardiomyopathy, but it has been identified in 5/16408 South Asian chromosom es by the Exome Aggregation Consortium (ExAC). C omputational prediction tools and conservation analysis do not provide strong su pport for or against an impact to the protein. In summary, the clinical signific ance of the p.Val5579Gly variant is uncertain.

NM_001267550.2(TTN):c.20468T>G (p.Val6823Gly)

Gene: TTN (titin; minus strand). Cytogenetic location: 2q31.2.
Variant type: single nucleotide variant.
Coding change: c.20468T>G on transcript NM_001267550.2 (MANE Select); coding-DNA position 20468, T replaced by G.
Protein change: p.Val6823Gly; replaces valine 6823 with glycine.
Molecular consequence: missense variant. On other transcripts: intron variant (3).
Genome position (GRCh38, 1-based): chr2:178,725,854, A>C on the plus strand (T>G on the coding strand, the complement: TTN is on the minus strand). VCF-style: chr2-178725854-A-C. GRCh37 (hg19) VCF-style: chr2-179590581-A-C.
Other names: c.16736T>G, p.Val5579Gly (NM_133378.4); c.19517T>G, p.Val6506Gly (NM_001256850.1); c.13282+12228T>G (NM_003319.4); c.13858+12228T>G (NM_133437.4); c.13657+12228T>G (NM_133432.3); short protein forms V5579G, V6823G, V6506G.
Identifiers: ClinVar variation 229395 (VCV000229395.6), dbSNP rs529417675, ClinGen allele CA2001213.